The following is an entry in ClinVar:

NM_205836.3(FBXO38):c.1387A>C (p.Met463Leu)

Gene: FBXO38 (F-box protein 38; plus strand). Cytogenetic location: 5q32.
Variant type: single nucleotide variant.
Coding change: c.1387A>C on transcript NM_205836.3 (MANE Select); coding-DNA position 1387, A replaced by C.
Protein change: p.Met463Leu; replaces methionine 463 with leucine.
Molecular consequence: missense variant.
Genome position (GRCh38, 1-based): chr5:148,416,050, A>C. VCF-style: chr5-148416050-A-C. GRCh37 (hg19) VCF-style: chr5-147795613-A-C.
Other names: c.1387A>C, p.Met463Leu (NM_001271723.2, NM_030793.5); short protein forms M463L.
Identifiers: ClinVar variation 1518556 (VCV001518556.8), dbSNP rs2113584815, ClinGen allele CA361659383.
Genomic context (GRCh38, chr5:148,416,050, plus strand): 5'-GACTCTTTTGGCCAGTTTATTGAATTATTACCCAGCCTAGAGTTTATTTCACTGGATCAG[A>C]TGTTTCGTGAACCACCCAAGGTAAGATACATTTGAGGGAGTTTTTGTTTATTTTGATAGG-3'
Protein context (NP_995308.1, residues 453-473): PSLEFISLDQ[Met463Leu]FREPPKGCAR

ClinVar aggregate classification (germline): Uncertain significance (1 of 4 stars; one submission).

Conditions:
Distal hereditary motor neuropathy type 2. Identifiers: Orphanet 139525, MedGen C3711384, MeSH C580044, MONDO:0015352.

Submission:

Labcorp Genetics (formerly Invitae), Labcorp
Classification: Uncertain significance for Distal hereditary motor neuropathy type 2. Last evaluated: 2021-03-23. Review status: criteria provided, single submitter. Criteria: Invitae Variant Classification Sherloc (09022015). Collection method: clinical testing. Allele origin: germline.
Comment: In summary, the available evidence is currently insufficient to determine the role of this variant in disease. Therefore, it has been classified as a Variant of Uncertain Significance. Algorithms developed to predict the effect of missense changes on protein structure and function are either unavailable or do not agree on the potential impact of this missense change (SIFT: "Deleterious"; PolyPhen-2: "Possibly Damaging"; Align-GVGD: "Class C0"). This variant has not been reported in the literature in individuals with FBXO38-related conditions. This variant is not present in population databases (ExAC no frequency). This sequence change replaces methionine with leucine at codon 463 of the FBXO38 protein (p.Met463Leu). The methionine residue is highly conserved and there is a small physicochemical difference between methionine and leucine.